The following is an entry in ClinVar:

ClinVar aggregate classification (germline): Likely benign. Review status: criteria provided, multiple submitters, no conflicts (2 of 4 stars). 2 submissions from 2 submitters: Likely benign (2). Last evaluated 2025-03-07.

Conditions:
Hereditary diffuse gastric adenocarcinoma (HDGC). Also called: DIFFUSE GASTRIC AND LOBULAR BREAST CANCER SYNDROME. Identifiers: Orphanet 26106, MedGen C1708349, MONDO:0007648, OMIM 137215.

Submissions (2):

Labcorp Genetics (formerly Invitae), Labcorp
Classification: Likely benign for Hereditary diffuse gastric adenocarcinoma. Last evaluated: 2025-03-07. Review status: criteria provided, single submitter. Criteria: Invitae Variant Classification Sherloc (09022015). Collection method: clinical testing. Allele origin: germline.

Myriad Genetics, Inc.
Classification: Likely benign for Hereditary diffuse gastric adenocarcinoma. Last evaluated: 2024-09-17. Review status: criteria provided, single submitter. Criteria: Myriad Autosomal Dominant, Autosomal Recessive and X-Linked Classification Criteria (2023). Collection method: clinical testing. Allele origin: unknown.
Comment: This variant is considered likely benign. This variant is intronic and is not expected to impact mRNA splicing.

NM_004360.5(CDH1):c.1008+7G>T

Gene: CDH1 (cadherin 1; plus strand). Cytogenetic location: 16q22.1.
Variant type: single nucleotide variant.
Coding change: c.1008+7G>T on transcript NM_004360.5 (MANE Select); 7 bases into the intron after coding-DNA position 1008, G replaced by T.
Molecular consequence: intron variant.
Genome position (GRCh38, 1-based): chr16:68,811,866, G>T. VCF-style: chr16-68811866-G-T. GRCh37 (hg19) VCF-style: chr16-68845769-G-T.
Other names: c.-608+7G>T (NM_001317185.2); c.-812+7G>T (NM_001317186.2); c.1008+7G>T (NM_001317184.2).
Identifiers: ClinVar variation 2866541 (VCV002866541.4), dbSNP rs1960845329, ClinGen allele CA2732662648.